The following is an entry in ClinVar:

ClinVar aggregate classification (germline): Pathogenic (1 of 4 stars; one submission).

Conditions:
KDM2A-related neurodevelopmental disorder.

Submission:

Institute of Human Genetics, University of Leipzig Medical Center
Classification: Pathogenic for KDM2A-related neurodevelopmental disorder. Last evaluated: 2025-01-20. Review status: criteria provided, single submitter. Criteria: ACMG Guidelines, 2015. Collection method: research. Allele origin: de novo. Inheritance: Autosomal dominant inheritance. Affected: yes.
Comment: Criteria applied: PVS1, PS2_MOD, PM2

Literature cited by the submitters: DOI 10.1101/2025.03.31.25324695.

NM_012308.3(KDM2A):c.579C>G (p.Tyr193Ter)

Gene: KDM2A (lysine demethylase 2A; plus strand). Cytogenetic location: 11q13.2.
Variant type: single nucleotide variant.
Coding change: c.579C>G on transcript NM_012308.3 (MANE Select); coding-DNA position 579, C replaced by G.
Protein change: p.Tyr193Ter; replaces tyrosine 193 with a stop codon.
Molecular consequence: nonsense. On other transcripts: non-coding transcript variant (1).
Genome position (GRCh38, 1-based): chr11:67,215,432, C>G. VCF-style: chr11-67215432-C-G. GRCh37 (hg19) VCF-style: chr11-66982903-C-G.
Other names: short protein forms Y193*.
Identifiers: ClinVar variation 3778798 (VCV003778798.1).
Genomic context (GRCh38, chr11:67,215,432, plus strand): 5'-GCCAAGGCACTTGAAGGAAAGCCAGACTGAATCAACAAATGCCATCTTGGAGATGCAGTA[C>G]CCTAAAGTGCAGAAGTAAGTGATGCGCCCTGCATCTTCCTCCGTGTGCTGTGGGAGACCA-3'